The following is an entry in ClinVar:

ClinVar aggregate classification (germline): Conflicting classifications of pathogenicity. Review status: criteria provided, conflicting classifications (1 of 4 stars). 4 submissions from 4 submitters: Uncertain significance (3); Likely benign (1). Last evaluated 2026-01-05.

Conditions:
MYO7A-related disorder. Also called: MYO7A-related disorders.
Autosomal dominant nonsyndromic hearing loss 11. Identifiers: Orphanet 90635, MedGen C1832475, MONDO:0011032, OMIM 601317.

Allele frequency attached by ClinVar (database versions not stated): gnomAD exomes 0.00002 and 0.00009; ExAC 0.00003; gnomAD 0.00007 and 0.00009; TOPMed 0.00007.
gnomAD v4.1: 139 of 1,612,982 alleles (0.0086%); highest among the groups gnomAD compares: Non-Finnish European, 0.01%; no homozygotes.

Submissions (4):

Labcorp Genetics (formerly Invitae), Labcorp
Classification: Likely benign. Last evaluated: 2026-01-05. Review status: criteria provided, single submitter. Criteria: Invitae Variant Classification Sherloc (09022015). Collection method: clinical testing. Allele origin: germline.

PreventionGenetics, part of Exact Sciences
Classification: Uncertain significance for MYO7A-related condition. Last evaluated: 2025-11-17. Review status: criteria provided, single submitter. Criteria: ACMG Guidelines, 2015. Collection method: clinical testing. Allele origin: germline.
Comment: The MYO7A c.2915G>A variant is predicted to result in the amino acid substitution p.Arg972Gln. To our knowledge, this variant has not been reported in the literature. This variant is reported in 0.0083% of alleles in individuals of African descent in gnomAD. At this time, the clinical significance of this variant is uncertain due to the absence of conclusive functional and genetic evidence.

GeneDx
Classification: Uncertain significance. Last evaluated: 2022-02-04. Review status: criteria provided, single submitter. Criteria: GeneDx Variant Classification Process June 2021. Collection method: clinical testing. Allele origin: germline. Affected: yes.
Comment: In silico analysis, which includes protein predictors and evolutionary conservation, supports that this variant does not alter protein structure/function; Has not been previously published as pathogenic or benign to our knowledge

Molecular Genetics, Royal Melbourne Hospital
Classification: Uncertain significance for Autosomal dominant nonsyndromic hearing loss 11. Last evaluated: 2021-02-26. Review status: criteria provided, single submitter. Criteria: ACMG Guidelines, 2015. Collection method: clinical testing. Allele origin: germline. Affected: yes.
Comment: This sequence change is predicted to replace arginine with glutamine at codon 972 of the MYO7A protein (p.(Arg972Gln)). The arginine residue is not conserved (100 vertebrates, UCSC), and is not located in a known functional domain. There is a small physicochemical difference between arginine and glutamine. The variant is present in a large population cohort at a frequency of 0.003% (rs782426472, 7/277,490 alleles, 0 homozygotes in gnomAD v2.1), and has not been reported in the relevant medical literature or databases. Multiple lines of computational evidence have conflicting predictions for the missense substitution (2/6 algorithms predict deleterious). Based on the classification scheme RMH Modified ACMG Guidelines v1.3.1, this variant is classified as a VARIANT OF UNCERTAIN SIGNIFICANCE. Following criteria are met: none.

NM_000260.4(MYO7A):c.2915G>A (p.Arg972Gln)

Gene: MYO7A (myosin VIIA; plus strand). Cytogenetic location: 11q13.5.
Variant type: single nucleotide variant.
Coding change: c.2915G>A on transcript NM_000260.4 (MANE Select); coding-DNA position 2915, G replaced by A.
Protein change: p.Arg972Gln; replaces arginine 972 with glutamine.
Molecular consequence: missense variant.
Genome position (GRCh38, 1-based): chr11:77,181,961, G>A. VCF-style: chr11-77181961-G-A. GRCh37 (hg19) VCF-style: chr11-76893007-G-A.
Other names: c.2915G>A, p.Arg972Gln (NM_001127180.2); c.2882G>A, p.Arg961Gln (NM_001369365.1); short protein forms R961Q, R972Q.
Identifiers: ClinVar variation 1311975 (VCV001311975.11), dbSNP rs782426472, ClinGen allele CA6197977.
Genomic context (GRCh38, chr11:77,181,961, plus strand): 5'-GAGCTTCCTGAGTAGCTGGGACTCCAGGGCATACCTCTTGTCTCCTTCAGGACCTGGAGC[G>A]AGGGCGGAGGGAGATGGTGGAGGAGGACCTGGATGCAGCCCTGCCCCTGCCTGACGAGGA-3'
Protein context (NP_000251.3, residues 962-982): QAPSGFEDLE[Arg972Gln]GRREMVEEDL